The following is an entry in ClinVar:

NM_006371.5(CRTAP):c.922+100A>G

Gene: CRTAP (cartilage associated protein; plus strand). Cytogenetic location: 3p22.3.
Variant type: single nucleotide variant.
Coding change: c.922+100A>G on transcript NM_006371.5 (MANE Select); 100 bases into the intron after coding-DNA position 922, A replaced by G.
Molecular consequence: intron variant.
Genome position (GRCh38, 1-based): chr3:33,130,167, A>G. VCF-style: chr3-33130167-A-G. GRCh37 (hg19) VCF-style: chr3-33171659-A-G.
Other names: c.922+100A>G (NM_001393363.1); c.794-2388A>G (NM_001393364.1); c.772+100A>G (NM_001393365.1).
Identifiers: ClinVar variation 674863 (VCV000674863.2), dbSNP rs4392367, ClinGen allele CA11402331.

ClinVar aggregate classification (germline): Benign. Review status: criteria provided, multiple submitters, no conflicts (2 of 4 stars). 2 submissions from 2 submitters: Benign (2). Last evaluated 2018-06-19.

Allele frequency attached by ClinVar (database versions not stated): gnomAD exomes 0.76741; gnomAD 0.79281 and 0.79748; TOPMed 0.79741; 1000 Genomes Project 30x 0.85556; 1000 Genomes Project 0.85803.
gnomAD v4.1: 957,064 of 1,240,172 alleles (77%); highest among the groups gnomAD compares: East Asian, 98%; 371,199 homozygotes.

Submissions (2):

GeneDx
Classification: Benign. Last evaluated: 2018-06-19. Review status: criteria provided, single submitter. Criteria: GeneDx Variant Classification (06012015). Collection method: clinical testing. Allele origin: germline. Affected: yes.
Comment: This variant is considered likely benign or benign based on one or more of the following criteria: it is a conservative change, it occurs at a poorly conserved position in the protein, it is predicted to be benign by multiple in silico algorithms, and/or has population frequency not consistent with disease.

Breakthrough Genomics
Classification: Benign. Review status: criteria provided, single submitter. Criteria: ACMG Guidelines, 2015. Collection method: not provided. Allele origin: germline. Inheritance: Autosomal recessive inheritance. Affected: yes.